The following is an entry in ClinVar:

NM_206933.4(USH2A):c.8232G>T (p.Trp2744Cys)

Gene: USH2A (usherin; minus strand). Cytogenetic location: 1q41.
Variant type: single nucleotide variant.
Coding change: c.8232G>T on transcript NM_206933.4 (MANE Select); coding-DNA position 8232, G replaced by T.
Protein change: p.Trp2744Cys; replaces tryptophan 2744 with cysteine.
Molecular consequence: missense variant.
Genome position (GRCh38, 1-based): chr1:215,879,090, C>A on the plus strand (G>T on the coding strand, the complement: USH2A is on the minus strand). VCF-style: chr1-215879090-C-A. GRCh37 (hg19) VCF-style: chr1-216052432-C-A.
Other names: c.8232G>T (NM_206933.2); short protein forms W2744C.
Identifiers: ClinVar variation 2757053 (VCV002757053.4), dbSNP rs1424639717, ClinGen allele CA344832779.

ClinVar aggregate classification (germline): Pathogenic/Likely pathogenic. Review status: criteria provided, multiple submitters, no conflicts (2 of 4 stars). 2 submissions from 2 submitters: Pathogenic (1); Likely pathogenic (1). Last evaluated 2024-03-26.

Conditions:
Usher syndrome type 2A. Also called: RETINAL DISEASE IN USHER SYNDROME TYPE IIA, MODIFIER OF; USHER SYNDROME, TYPE IIA. Identifiers: Orphanet 231178, Orphanet 886, MedGen C1848634, MONDO:0010169, OMIM 276901.

Submissions (2):

Natera, Inc.
Classification: Likely pathogenic for Usher syndrome type 2A. Last evaluated: 2024-03-26. Review status: criteria provided, single submitter. Criteria: Natera Variant Classification Schema (03/2026). Collection method: clinical testing. Allele origin: germline.
Comment: The c.8232G>T variant in USH2A is a missense variant predicted to cause substitution of tryptophan to cysteine at amino acid 2744. This variant is rare in the general population with a frequency below the threshold expected for the associated phenotype(s). Another variant at this same site results in an alteration predicted to cause a similar molecular effect has been observed in individual(s) with the associated phenotype. Computational prediction algorithms indicate this variant is likely to affect gene or protein function. Given the available evidence, this variant is classified as Likely Pathogenic.

Labcorp Genetics (formerly Invitae), Labcorp
Classification: Pathogenic. Last evaluated: 2023-12-22. Review status: criteria provided, single submitter. Criteria: Invitae Variant Classification Sherloc (09022015). Collection method: clinical testing. Allele origin: germline.
Comment: This sequence change replaces tryptophan, which is neutral and slightly polar, with cysteine, which is neutral and slightly polar, at codon 2744 of the USH2A protein (p.Trp2744Cys). This variant is not present in population databases (gnomAD no frequency). A different variant (c.8232G>C) giving rise to the same protein effect has been determined to be pathogenic (PMID: 21686329, 26338283, 29625443, 29641573). This suggests that this variant is also likely to be causative of disease. Advanced modeling of protein sequence and biophysical properties (such as structural, functional, and spatial information, amino acid conservation, physicochemical variation, residue mobility, and thermodynamic stability) performed at Invitae indicates that this missense variant is expected to disrupt USH2A protein function with a positive predictive value of 95%. For these reasons, this variant has been classified as Pathogenic.

Literature cited by the submitters: PubMed 21686329 (cited by Labcorp Genetics (formerly Invitae), Labcorp); PubMed 26338283 (cited by Labcorp Genetics (formerly Invitae), Labcorp); PubMed 29625443 (cited by Labcorp Genetics (formerly Invitae), Labcorp); PubMed 29641573 (cited by Labcorp Genetics (formerly Invitae), Labcorp).